The following is an entry in ClinVar:

NM_001197104.2(KMT2A):c.8944C>T (p.Pro2982Ser)

Gene: KMT2A (lysine methyltransferase 2A; plus strand). Cytogenetic location: 11q23.3.
Variant type: single nucleotide variant.
Coding change: c.8944C>T on transcript NM_001197104.2 (MANE Select); coding-DNA position 8944, C replaced by T.
Protein change: p.Pro2982Ser; replaces proline 2982 with serine.
Molecular consequence: missense variant.
Genome position (GRCh38, 1-based): chr11:118,504,836, C>T. VCF-style: chr11-118504836-C-T. GRCh37 (hg19) VCF-style: chr11-118375551-C-T.
Other names: c.9034C>T, p.Pro3012Ser (NM_001412597.1); c.8935C>T, p.Pro2979Ser (NM_005933.4); short protein forms P2982S, P3012S, P2979S.
Identifiers: ClinVar variation 2009842 (VCV002009842.4), dbSNP rs975799272, ClinGen allele CA382817262.

ClinVar aggregate classification (germline): Uncertain significance (1 of 4 stars; one submission).

Submission:

Labcorp Genetics (formerly Invitae), Labcorp
Classification: Uncertain significance. Last evaluated: 2022-08-31. Review status: criteria provided, single submitter. Criteria: Invitae Variant Classification Sherloc (09022015). Collection method: clinical testing. Allele origin: germline.
Comment: This sequence change replaces proline, which is neutral and non-polar, with serine, which is neutral and polar, at codon 2982 of the KMT2A protein (p.Pro2982Ser). This variant is not present in population databases (gnomAD no frequency). This variant has not been reported in the literature in individuals affected with KMT2A-related conditions. Advanced modeling of protein sequence and biophysical properties (such as structural, functional, and spatial information, amino acid conservation, physicochemical variation, residue mobility, and thermodynamic stability) performed at Invitae indicates that this missense variant is not expected to disrupt KMT2A protein function. In summary, the available evidence is currently insufficient to determine the role of this variant in disease. Therefore, it has been classified as a Variant of Uncertain Significance.